The following is an entry in ClinVar:

NC_000007.13:g.(?_6042150)_(6113173_?)del

Genes: AIMP2 (aminoacyl tRNA synthetase complex interacting multifunctional protein 2; plus strand), EIF2AK1 (eukaryotic translation initiation factor 2 alpha kinase 1; minus strand), PMS2 (PMS1 homolog 2, mismatch repair system component; minus strand). Cytogenetic location: 7p22.1.
Variant type: Deletion.
Identifiers: ClinVar variation 3245661 (VCV003245661.1).

ClinVar aggregate classification (germline): Pathogenic (1 of 4 stars; one submission).

Conditions:
Hereditary nonpolyposis colorectal neoplasms. Identifiers: MedGen C0009405, MeSH D003123.

Submission:

Labcorp Genetics (formerly Invitae), Labcorp
Classification: Pathogenic for Hereditary nonpolyposis colorectal neoplasms. Last evaluated: 2023-01-27. Review status: criteria provided, single submitter. Criteria: Invitae Variant Classification Sherloc (09022015). Collection method: clinical testing. Allele origin: unknown.
Comment: This variant results in the deletion of exons 1-4 and part of exon 5 (c.-64523_471del) of the PMS2 gene. It is expected to result in an absent or disrupted protein product. Loss-of-function variants in PMS2 are known to be pathogenic (PMID: 21376568, 24362816). For these reasons, this variant has been classified as Pathogenic. This variant has not been reported in the literature in individuals affected with PMS2-related conditions.

Literature cited by the submitters: PubMed 21376568; PubMed 24362816.